The following is an entry in ClinVar:

NM_206933.4(USH2A):c.6788A>C (p.Glu2263Ala)

Gene: USH2A (usherin; minus strand). Cytogenetic location: 1q41.
Variant type: single nucleotide variant.
Coding change: c.6788A>C on transcript NM_206933.4 (MANE Select); coding-DNA position 6788, A replaced by C.
Protein change: p.Glu2263Ala; replaces glutamic acid 2263 with alanine.
Molecular consequence: missense variant.
Genome position (GRCh38, 1-based): chr1:215,993,037, T>G on the plus strand (A>C on the coding strand, the complement: USH2A is on the minus strand). VCF-style: chr1-215993037-T-G. GRCh37 (hg19) VCF-style: chr1-216166379-T-G.
Other names: short protein forms E2263A.
Identifiers: ClinVar variation 2718647 (VCV002718647.3), dbSNP rs1668037770, ClinGen allele CA344860191.

ClinVar aggregate classification (germline): Uncertain significance (1 of 4 stars; one submission).

Submission:

Labcorp Genetics (formerly Invitae), Labcorp
Classification: Uncertain significance. Last evaluated: 2025-07-21. Review status: criteria provided, single submitter. Criteria: Invitae Variant Classification Sherloc (09022015). Collection method: clinical testing. Allele origin: germline.
Comment: This sequence change replaces glutamic acid, which is acidic and polar, with alanine, which is neutral and non-polar, at codon 2263 of the USH2A protein (p.Glu2263Ala). This variant is not present in population databases (gnomAD no frequency). This variant has not been reported in the literature in individuals affected with USH2A-related conditions. ClinVar contains an entry for this variant (Variation ID: 2718647). Invitae Evidence Modeling of protein sequence and biophysical properties (such as structural, functional, and spatial information, amino acid conservation, physicochemical variation, residue mobility, and thermodynamic stability) indicates that this missense variant is not expected to disrupt USH2A protein function with a negative predictive value of 95%. In summary, the available evidence is currently insufficient to determine the role of this variant in disease. Therefore, it has been classified as a Variant of Uncertain Significance.